The following is an entry in ClinVar:

ClinVar aggregate classification (germline): Uncertain significance (1 of 4 stars; one submission).

gnomAD v4.1: 6 of 1,613,826 alleles (0.00037%); highest among the groups gnomAD compares: African/African-American, 0.0013%; no homozygotes.

Submission:

Labcorp Genetics (formerly Invitae), Labcorp
Classification: Uncertain significance. Last evaluated: 2025-12-22. Review status: criteria provided, single submitter. Criteria: Invitae Variant Classification Sherloc (09022015). Collection method: clinical testing. Allele origin: germline.
Comment: This sequence change replaces proline, which is neutral and non-polar, with leucine, which is neutral and non-polar, at codon 751 of the MTHFD1 protein (p.Pro751Leu). This variant is present in population databases (no rsID available, gnomAD 0.0009%). This variant has not been reported in the literature in individuals affected with MTHFD1-related conditions. Invitae Evidence Modeling of protein sequence and biophysical properties (such as structural, functional, and spatial information, amino acid conservation, physicochemical variation, residue mobility, and thermodynamic stability) indicates that this missense variant is expected to disrupt MTHFD1 protein function with a positive predictive value of 80%. In summary, the available evidence is currently insufficient to determine the role of this variant in disease. Therefore, it has been classified as a Variant of Uncertain Significance.

NM_005956.4(MTHFD1):c.2252C>T (p.Pro751Leu)

Gene: MTHFD1 (methylenetetrahydrofolate dehydrogenase, cyclohydrolase and formyltetrahydrofolate synthetase 1; plus strand). Cytogenetic location: 14q23.3.
Variant type: single nucleotide variant.
Coding change: c.2252C>T on transcript NM_005956.4 (MANE Select); coding-DNA position 2252, C replaced by T.
Protein change: p.Pro751Leu; replaces proline 751 with leucine.
Molecular consequence: missense variant.
Genome position (GRCh38, 1-based): chr14:64,448,290, C>T. VCF-style: chr14-64448290-C-T. GRCh37 (hg19) VCF-style: chr14-64915008-C-T.
Other names: c.2252C>T, p.Pro751Leu (NM_001364837.1); short protein forms P751L.
Identifiers: ClinVar variation 4779726 (VCV004779726.1).